The following is an entry in ClinVar:

ClinVar aggregate classification (germline): Uncertain significance (1 of 4 stars; one submission).

Conditions:
Duchenne muscular dystrophy (DMD). Also called: MUSCULAR DYSTROPHY, PSEUDOHYPERTROPHIC PROGRESSIVE, DUCHENNE TYPE; Duchenne Muscular Dystrophy (DMD). Identifiers: Orphanet 98896, MedGen C0013264, MONDO:0010679, OMIM 310200.

Submission:

Labcorp Genetics (formerly Invitae), Labcorp
Classification: Uncertain significance for Duchenne muscular dystrophy. Last evaluated: 2021-09-21. Review status: criteria provided, single submitter. Criteria: Invitae Variant Classification Sherloc (09022015). Collection method: clinical testing. Allele origin: germline.
Comment: This sequence change replaces aspartic acid with glycine at codon 482 of the DMD protein (p.Asp482Gly). The aspartic acid residue is highly conserved and there is a moderate physicochemical difference between aspartic acid and glycine. This variant is not present in population databases (ExAC no frequency). This variant has not been reported in the literature in individuals affected with DMD-related conditions. Algorithms developed to predict the effect of missense changes on protein structure and function are either unavailable or do not agree on the potential impact of this missense change (SIFT: "Tolerated"; PolyPhen-2: "Probably Damaging"; Align-GVGD: "Class C0"). In summary, the available evidence is currently insufficient to determine the role of this variant in disease. Therefore, it has been classified as a Variant of Uncertain Significance.

NM_004006.3(DMD):c.1445A>G (p.Asp482Gly)

Gene: DMD (dystrophin; minus strand). Cytogenetic location: Xp21.1.
Variant type: single nucleotide variant.
Coding change: c.1445A>G on transcript NM_004006.3 (MANE Select); coding-DNA position 1445, A replaced by G.
Protein change: p.Asp482Gly; replaces aspartic acid 482 with glycine.
Molecular consequence: missense variant.
Genome position (GRCh38, 1-based): chrX:32,614,340, T>C on the plus strand (A>G on the coding strand, the complement: DMD is on the minus strand). VCF-style: chrX-32614340-T-C. GRCh37 (hg19) VCF-style: chrX-32632457-T-C.
Other names: c.1421A>G, p.Asp474Gly (NM_000109.4); c.1433A>G, p.Asp478Gly (NM_004009.3); c.1076A>G, p.Asp359Gly (NM_004010.3); short protein forms D359G, D482G, D474G, D478G.
Identifiers: ClinVar variation 1520617 (VCV001520617.3), dbSNP rs2149349765, ClinGen allele CA412669860.